The following is an entry in ClinVar:

ClinVar aggregate classification (germline): Uncertain significance (1 of 4 stars; one submission).

Conditions:
Neurofibromatosis, type 1 (NF1). Also called: VON RECKLINGHAUSEN DISEASE; Neurofibromatosis, type I; NEUROFIBROMATOSIS, TYPE I, SOMATIC; Peripheral type neurofibromatosis. Identifiers: Orphanet 636, MedGen C0027831, MONDO:0018975, OMIM 162200. Disease mechanism: loss of function.

Submission:

Labcorp Genetics (formerly Invitae), Labcorp
Classification: Uncertain significance for Neurofibromatosis, type 1. Last evaluated: 2023-09-11. Review status: criteria provided, single submitter. Criteria: Invitae Variant Classification Sherloc (09022015). Collection method: clinical testing. Allele origin: germline.
Comment: This variant has not been reported in the literature in individuals affected with NF1-related conditions. ClinVar contains an entry for this variant (Variation ID: 1390909). Advanced modeling of protein sequence and biophysical properties (such as structural, functional, and spatial information, amino acid conservation, physicochemical variation, residue mobility, and thermodynamic stability) has been performed at Invitae for this missense variant, however the output from this modeling did not meet the statistical confidence thresholds required to predict the impact of this variant on NF1 protein function. In summary, the available evidence is currently insufficient to determine the role of this variant in disease. Therefore, it has been classified as a Variant of Uncertain Significance. This variant is not present in population databases (gnomAD no frequency). This sequence change replaces valine, which is neutral and non-polar, with isoleucine, which is neutral and non-polar, at codon 54 of the NF1 protein (p.Val54Ile).

NM_001042492.3(NF1):c.160G>A (p.Val54Ile)

Gene: NF1 (neurofibromin 1; plus strand). Cytogenetic location: 17q11.2.
Variant type: single nucleotide variant.
Coding change: c.160G>A on transcript NM_001042492.3 (MANE Select); coding-DNA position 160, G replaced by A.
Protein change: p.Val54Ile; replaces valine 54 with isoleucine.
Molecular consequence: missense variant.
Genome position (GRCh38, 1-based): chr17:31,156,082, G>A. VCF-style: chr17-31156082-G-A. GRCh37 (hg19) VCF-style: chr17-29483100-G-A.
Other names: c.160G>A, p.Val54Ile (NM_000267.4, NM_001128147.3); short protein forms V54I.
Identifiers: ClinVar variation 1390909 (VCV001390909.4), dbSNP rs1060500330, ClinGen allele CA398988548.